The following is an entry in ClinVar:

ClinVar aggregate classification (germline): Likely benign. Review status: criteria provided, multiple submitters, no conflicts (2 of 4 stars). 2 submissions from 2 submitters: Likely benign (2). Last evaluated 2025-03-01.

Submissions (2):

CeGaT Center for Human Genetics Tuebingen
Classification: Likely benign. Last evaluated: 2025-03-01. Review status: criteria provided, single submitter. Criteria: CeGaT Center For Human Genetics Tuebingen Variant Classification Criteria Version 2. Collection method: clinical testing. Allele origin: germline. Affected: yes. Observed: 1 variant allele.
Comment: TRPV6: BP4, BP7

Labcorp Genetics (formerly Invitae), Labcorp
Classification: Likely benign. Last evaluated: 2024-11-19. Review status: criteria provided, single submitter. Criteria: Invitae Variant Classification Sherloc (09022015). Collection method: clinical testing. Allele origin: germline.

NM_018646.6(TRPV6):c.1977C>T (p.Cys659=)

Gene: TRPV6 (transient receptor potential cation channel subfamily V member 6; minus strand). Cytogenetic location: 7q34.
Variant type: single nucleotide variant.
Coding change: c.1977C>T on transcript NM_018646.6 (MANE Select); coding-DNA position 1977, C replaced by T.
Protein change: p.Cys659=; no amino-acid change (cysteine 659 retained).
Molecular consequence: synonymous variant.
Genome position (GRCh38, 1-based): chr7:142,872,410, G>A on the plus strand (C>T on the coding strand, the complement: TRPV6 is on the minus strand). VCF-style: chr7-142872410-G-A. GRCh37 (hg19) VCF-style: chr7-142570163-G-A.
Identifiers: ClinVar variation 3610477 (VCV003610477.9).